The following is an entry in ClinVar:

ClinVar aggregate classification (germline): Benign (0 of 4 stars; one submission).

Conditions:
NEPRO-related disorder. Also called: NEPRO-related condition.

Allele frequency attached by ClinVar (database versions not stated): 1000 Genomes Project 30x 0.00671; 1000 Genomes Project 0.00699; TOPMed 0.01066; ESP Exome Variant Server 0.01207; gnomAD 0.01475; ExAC 0.01505; gnomAD exomes 0.01675.
gnomAD v4.1: 26,564 of 1,613,186 alleles (1.6%); highest among the groups gnomAD compares: Non-Finnish European, 1.7%; 357 homozygotes.

Submission:

PreventionGenetics, part of Exact Sciences
Classification: Benign for NEPRO-related condition. Last evaluated: 2019-04-24. Review status: no assertion criteria provided. Collection method: clinical testing. Allele origin: germline.
Comment: This variant is classified as benign based on ACMG/AMP sequence variant interpretation guidelines (Richards et al. 2015 PMID: 25741868, with internal and published modifications).

NM_015412.4(RMP64):c.1031C>A (p.Ser344Tyr)

Gene: RMP64 (ribonuclease MRP subunit p64; minus strand). Cytogenetic location: 3q13.2.
Variant type: single nucleotide variant.
Coding change: c.1031C>A on transcript NM_015412.4 (MANE Select); coding-DNA position 1031, C replaced by A.
Protein change: p.Ser344Tyr; replaces serine 344 with tyrosine.
Molecular consequence: missense variant. On other transcripts: non-coding transcript variant (1).
Genome position (GRCh38, 1-based): chr3:113,008,375, G>T on the plus strand (C>A on the coding strand, the complement: RMP64 is on the minus strand). VCF-style: chr3-113008375-G-T. GRCh37 (hg19) VCF-style: chr3-112727222-G-T.
Other names: c.821C>A, p.Ser274Tyr (NM_001319109.2); c.530C>A, p.Ser177Tyr (NM_001319110.2); c.422C>A, p.Ser141Tyr (NM_001319111.2); c.698C>A, p.Ser233Tyr (NM_001319112.2); c.623C>A, p.Ser208Tyr (NM_001319114.2); c.740C>A, p.Ser247Tyr (NM_001319115.2); short protein forms S141Y, S177Y, S208Y, S233Y, S247Y, S274Y, S344Y.
Identifiers: ClinVar variation 3056605 (VCV003056605.2), dbSNP rs62265060, ClinGen allele CA2542008.